The following is an entry in ClinVar:

ClinVar aggregate classification (germline): Uncertain significance. Review status: criteria provided, multiple submitters, no conflicts (2 of 4 stars). 2 submissions from 2 submitters: Uncertain significance (2). Last evaluated 2023-02-05.

Allele frequency attached by ClinVar (database versions not stated): gnomAD exomes below 0.00001.
gnomAD v4.1: 5 of 1,613,586 alleles (0.00031%); highest among the groups gnomAD compares: Non-Finnish European, 0.00042%; no homozygotes.

Submissions (2):

Labcorp Genetics (formerly Invitae), Labcorp
Classification: Uncertain significance. Last evaluated: 2023-02-05. Review status: criteria provided, single submitter. Criteria: Invitae Variant Classification Sherloc (09022015). Collection method: clinical testing. Allele origin: germline.
Comment: This sequence change replaces aspartic acid, which is acidic and polar, with glycine, which is neutral and non-polar, at codon 285 of the PITPNM3 protein (p.Asp285Gly). This variant is not present in population databases (gnomAD no frequency). This variant has not been reported in the literature in individuals affected with PITPNM3-related conditions. Advanced modeling of protein sequence and biophysical properties (such as structural, functional, and spatial information, amino acid conservation, physicochemical variation, residue mobility, and thermodynamic stability) performed at Invitae indicates that this missense variant is not expected to disrupt PITPNM3 protein function. In summary, the available evidence is currently insufficient to determine the role of this variant in disease. Therefore, it has been classified as a Variant of Uncertain Significance.

Blueprint Genetics
Classification: Uncertain significance. Last evaluated: 2022-09-02. Review status: criteria provided, single submitter. Criteria: ACMG Guidelines, 2015. Collection method: clinical testing. Allele origin: germline.

NM_031220.4(PITPNM3):c.854A>G (p.Asp285Gly)

Gene: PITPNM3 (PITPNM family member 3; minus strand). Cytogenetic location: 17p13.2.
Variant type: single nucleotide variant.
Coding change: c.854A>G on transcript NM_031220.4 (MANE Select); coding-DNA position 854, A replaced by G.
Protein change: p.Asp285Gly; replaces aspartic acid 285 with glycine.
Molecular consequence: missense variant.
Genome position (GRCh38, 1-based): chr17:6,478,021, T>C on the plus strand (A>G on the coding strand, the complement: PITPNM3 is on the minus strand). VCF-style: chr17-6478021-T-C. GRCh37 (hg19) VCF-style: chr17-6381341-T-C.
Other names: c.746A>G, p.Asp249Gly (NM_001165966.2); short protein forms D285G, D249G.
Identifiers: ClinVar variation 2825125 (VCV002825125.4), dbSNP rs2544016681, ClinGen allele CA397407995.